The following is an entry in ClinVar:

NM_005876.5(SPEG):c.6368G>A (p.Arg2123Gln)

Genes: ASIC4-AS1 (ASIC4 antisense RNA 1; minus strand), SPEG (striated muscle enriched protein kinase; plus strand). Cytogenetic location: 2q35.
Variant type: single nucleotide variant.
Coding change: c.6368G>A on transcript NM_005876.5 (MANE Select); coding-DNA position 6368, G replaced by A.
Protein change: p.Arg2123Gln; replaces arginine 2123 with glutamine.
Molecular consequence: missense variant.
Genome position (GRCh38, 1-based): chr2:219,483,831, G>A. VCF-style: chr2-219483831-G-A. GRCh37 (hg19) VCF-style: chr2-220348553-G-A.
Other names: short protein forms R2123Q.
Identifiers: ClinVar variation 2043435 (VCV002043435.4), dbSNP rs781111613, ClinGen allele CA350697612.

ClinVar aggregate classification (germline): Uncertain significance (1 of 4 stars; one submission).

Submission:

Labcorp Genetics (formerly Invitae), Labcorp
Classification: Uncertain significance. Last evaluated: 2021-12-15. Review status: criteria provided, single submitter. Criteria: Invitae Variant Classification Sherloc (09022015). Collection method: clinical testing. Allele origin: germline.
Comment: This variant has not been reported in the literature in individuals affected with SPEG-related conditions. This sequence change replaces arginine, which is basic and polar, with glutamine, which is neutral and polar, at codon 2123 of the SPEG protein (p.Arg2123Gln). This variant is not present in population databases (gnomAD no frequency). Algorithms developed to predict the effect of missense changes on protein structure and function are either unavailable or do not agree on the potential impact of this missense change (SIFT: "Deleterious"; PolyPhen-2: "Benign"; Align-GVGD: "Class C0"). In summary, the available evidence is currently insufficient to determine the role of this variant in disease. Therefore, it has been classified as a Variant of Uncertain Significance.